The following is an entry in ClinVar:

NM_005228.5(EGFR):c.747+6A>T

Gene: EGFR (epidermal growth factor receptor; plus strand). Cytogenetic location: 7p11.2.
Variant type: single nucleotide variant.
Coding change: c.747+6A>T on transcript NM_005228.5 (MANE Select); 6 bases into the intron after coding-DNA position 747, A replaced by T.
Molecular consequence: intron variant.
Genome position (GRCh38, 1-based): chr7:55,152,670, A>T. VCF-style: chr7-55152670-A-T. GRCh37 (hg19) VCF-style: chr7-55220363-A-T.
Other names: c.612+6A>T (NM_001346899.2, NM_001346897.2); c.89-3160A>T (NM_001346941.2); c.747+6A>T (NM_001346898.2, NM_201284.2, NM_201282.2 and 1 more transcripts); c.588+6A>T (NM_001346900.2).
Identifiers: ClinVar variation 2817218 (VCV002817218.3), dbSNP rs376868785, ClinGen allele CA2739266429.

ClinVar aggregate classification (germline): Uncertain significance (1 of 4 stars; one submission).

Conditions:
EGFR-related lung cancer (EGFR). Identifiers: MedGen CN130014.

Submission:

Labcorp Genetics (formerly Invitae), Labcorp
Classification: Uncertain significance for EGFR-related lung cancer. Last evaluated: 2022-11-29. Review status: criteria provided, single submitter. Criteria: Invitae Variant Classification Sherloc (09022015). Collection method: clinical testing. Allele origin: germline.
Comment: This sequence change falls in intron 6 of the EGFR gene. It does not directly change the encoded amino acid sequence of the EGFR protein. It affects a nucleotide within the consensus splice site. This variant is not present in population databases (gnomAD no frequency). This variant has not been reported in the literature in individuals affected with EGFR-related conditions. Variants that disrupt the consensus splice site are a relatively common cause of aberrant splicing (PMID: 17576681, 9536098). Algorithms developed to predict the effect of sequence changes on RNA splicing suggest that this variant is not likely to affect RNA splicing. In summary, the available evidence is currently insufficient to determine the role of this variant in disease. Therefore, it has been classified as a Variant of Uncertain Significance.

Literature cited by the submitters: PubMed 17576681; PubMed 9536098.